The following is an entry in ClinVar:

NM_006231.4(POLE):c.62+6G>A

Genes: POLE (DNA polymerase epsilon, catalytic subunit; minus strand), LOC130009266 (ATAC-STARR-seq lymphoblastoid silent region 5123; plus strand). Cytogenetic location: 12q24.33.
Variant type: single nucleotide variant.
Coding change: c.62+6G>A on transcript NM_006231.4 (MANE Select); 6 bases into the intron after coding-DNA position 62, G replaced by A.
Molecular consequence: intron variant.
Genome position (GRCh38, 1-based): chr12:132,687,248, C>T on the plus strand (G>A on the coding strand, the complement: POLE is on the minus strand). VCF-style: chr12-132687248-C-T. GRCh37 (hg19) VCF-style: chr12-133263834-C-T.
Identifiers: ClinVar variation 405816 (VCV000405816.9), dbSNP rs1060500861, ClinGen allele CA16613930.

ClinVar aggregate classification (germline): Uncertain significance (1 of 4 stars; one submission).

Allele frequency attached by ClinVar (database versions not stated): gnomAD exomes below 0.00001.
gnomAD v4.1: 2 of 1,493,052 alleles (0.00013%); highest among the groups gnomAD compares: South Asian, 0.0012%; no homozygotes.

Submission:

Labcorp Genetics (formerly Invitae), Labcorp
Classification: Uncertain significance. Last evaluated: 2023-05-08. Review status: criteria provided, single submitter. Criteria: Invitae Variant Classification Sherloc (09022015). Collection method: clinical testing. Allele origin: germline.
Comment: Variants that disrupt the consensus splice site are a relatively common cause of aberrant splicing (PMID: 17576681, 9536098). Algorithms developed to predict the effect of sequence changes on RNA splicing suggest that this variant is not likely to affect RNA splicing. In summary, the available evidence is currently insufficient to determine the role of this variant in disease. Therefore, it has been classified as a Variant of Uncertain Significance. ClinVar contains an entry for this variant (Variation ID: 405816). This variant has not been reported in the literature in individuals affected with POLE-related conditions. This variant is not present in population databases (gnomAD no frequency). This sequence change falls in intron 1 of the POLE gene. It does not directly change the encoded amino acid sequence of the POLE protein. It affects a nucleotide within the consensus splice site.

Literature cited by the submitters: PubMed 17576681; PubMed 9536098.